The following is an entry in ClinVar:

ClinVar aggregate classification (germline): Benign. Review status: criteria provided, multiple submitters, no conflicts (2 of 4 stars). 3 submissions from 3 submitters: Benign (3). Last evaluated 2018-06-25.

Conditions:
Osteogenesis imperfecta (OI). Identifiers: Orphanet 666, MedGen C0029434, MeSH D010013, MONDO:0019019.

Allele frequency attached by ClinVar (database versions not stated): 1000 Genomes Project 0.05351; gnomAD exomes 0.01664 and 0.02382; gnomAD 0.05218 and 0.04999; TOPMed 0.05313; ExAC 0.02761; ESP Exome Variant Server 0.05321; 1000 Genomes Project 30x 0.05372.
gnomAD v4.1: 32,176 of 1,612,702 alleles (2%); highest among the groups gnomAD compares: African/African-American, 14%; 1,009 homozygotes.

Submissions (3):

GeneDx
Classification: Benign. Last evaluated: 2018-06-25. Review status: criteria provided, single submitter. Criteria: GeneDx Variant Classification Process June 2021. Collection method: clinical testing. Allele origin: germline. Affected: yes.

Women's Health and Genetics/Laboratory Corporation of America, LabCorp
Classification: Benign for Osteogenesis Imperfecta. Last evaluated: 2011-08-18. Review status: criteria provided, single submitter. Criteria: LabCorp Variant Classification Summary - May 2015. Collection method: curation, clinical testing. Allele origin: germline. Inheritance: autosomal unknown. Affected: yes.
ClinVar note: Converted during submission from benign to Benign.

Breakthrough Genomics
Classification: Benign. Review status: criteria provided, single submitter. Criteria: ACMG Guidelines, 2015. Collection method: not provided. Allele origin: germline. Inheritance: Autosomal dominant inheritance. Affected: yes.

NM_000088.4(COL1A1):c.642+25T>C

Gene: COL1A1 (collagen type I alpha 1 chain; minus strand). Cytogenetic location: 17q21.33.
Variant type: single nucleotide variant.
Coding change: c.642+25T>C on transcript NM_000088.4 (MANE Select); 25 bases into the intron after coding-DNA position 642, T replaced by C.
Molecular consequence: intron variant.
Genome position (GRCh38, 1-based): chr17:50,197,924, A>G on the plus strand (T>C on the coding strand, the complement: COL1A1 is on the minus strand). VCF-style: chr17-50197924-A-G. GRCh37 (hg19) VCF-style: chr17-48275285-A-G.
Identifiers: ClinVar variation 35927 (VCV000035927.7), dbSNP rs73987448, ClinGen allele CA260324.